The following is an entry in ClinVar:

ClinVar aggregate classification (germline): Pathogenic. Review status: criteria provided, multiple submitters, no conflicts (2 of 4 stars). 2 submissions from 2 submitters: Pathogenic (2). Last evaluated 2024-12-09.

Conditions:
Autosomal recessive congenital ichthyosis 2 (ARCI2). Identifiers: Orphanet 281122, Orphanet 79394, MedGen C3888093, MONDO:0009439, OMIM 242100.

Submissions (2):

GeneDx
Classification: Pathogenic. Last evaluated: 2024-12-09. Review status: criteria provided, single submitter. Criteria: GeneDx Variant Classification Process June 2021. Collection method: clinical testing. Allele origin: germline. Affected: yes.
Comment: Frameshift variant predicted to result in protein truncation or nonsense mediated decay in a gene for which loss of function is a known mechanism of disease; Not observed at significant frequency in large population cohorts (gnomAD); This variant is associated with the following publications: (PMID: 33255364, 30578701)

Uitto Lab, Thomas Jefferson University
Classification: Pathogenic for Ichthyosiform Erythroderma, Congenital, Nonbullous, 1. Last evaluated: 2018-06-08. Review status: criteria provided, single submitter. Criteria: ACMG Guidelines, 2015. Collection method: clinical testing. Allele origin: germline. Affected: yes. Study: Rare heritable connective tissue and skin disorders in Iranian cohort.

NM_001139.3(ALOX12B):c.1350dup (p.Leu451fs)

Gene: ALOX12B (arachidonate 12-lipoxygenase, 12R type; minus strand). Cytogenetic location: 17p13.1.
Variant type: Duplication.
Coding change: c.1350dup on transcript NM_001139.3 (MANE Select); coding-DNA position 1350, one base duplicated (G; older notation c.1350dupG).
Protein change: p.Leu451fs; shifts the reading frame from leucine 451.
Molecular consequence: frameshift variant.
Genome position (GRCh38, 1-based): chr17:8,076,669, C duplicated on the plus strand (G on the coding strand, the reverse complement: ALOX12B is on the minus strand); the first of 7 consecutive C bases (chr17:8,076,669-8,076,675); duplicating any one gives the same sequence. VCF-style (leftmost placement, unchanged base first): chr17-8076668-G-GC. GRCh37 (hg19) VCF-style: chr17-7979986-G-GC.
Other names: short protein forms L451fs.
Identifiers: ClinVar variation 633827 (VCV000633827.4), dbSNP rs746723399, ClinGen allele CA8367333.
Genomic context (GRCh38, chr17:8,076,668, plus strand): 5'-GGCCAGAGGAAAACAAATGTCTCGTTGGGGTTGGGGGCAGAAGTCTTACCTTGGCAGAGA[G>GC]CCCCCCCTCATTGAGGAGAACGGCCCGGCCAATGCTGTTGATCTGGACGGTGTATCGGGT-3'